The following is an entry in ClinVar:

ClinVar aggregate classification (germline): Conflicting classifications of pathogenicity. Review status: criteria provided, conflicting classifications (1 of 4 stars). 2 submissions from 2 submitters: Likely pathogenic (1); Uncertain significance (1). Last evaluated 2025-10-06.

Conditions:
BAP1-related tumor predisposition syndrome (TPDS1). Also called: BAP1 tumor predisposition syndrome; TUMOR PREDISPOSITION SYNDROME 1; COMMON Syndrome; Tumor susceptibility linked to germline BAP1 mutations. Identifiers: Orphanet 289539, MedGen C3280492, MONDO:0013692, OMIM 614327.
Hereditary cancer-predisposing syndrome. Also called: Hereditary Cancer Syndrome; Hereditary neoplastic syndrome; Neoplastic Syndromes, Hereditary; Tumor predisposition. Identifiers: Orphanet 140162, MedGen C0027672, MeSH D009386, MONDO:0015356.

Submissions (2):

Ambry Genetics
Classification: Likely pathogenic for Hereditary cancer-predisposing syndrome. Last evaluated: 2025-10-06. Review status: criteria provided, single submitter. Criteria: Ambry Variant Classification Scheme 2023. Collection method: clinical testing. Allele origin: germline.
Comment: The c.1116G>A variant (also known as p.Q372Q), located in coding exon 11 of the BAP1 gene, results from a G to A substitution at nucleotide position 1116. This nucleotide substitution does not change the glutamine at codon 372. However, this change occurs in the last base pair of coding exon 11, which makes it likely to have some effect on normal mRNA splicing. RNA studies have demonstrated that this alteration results in abnormal splicing in the set of samples tested (Ambry internal data). This alteration was non-functional in a high throughput genome editing haploid cell survival functional assay (Waters, AJ et al. Nat Genet 2024 Jul;56(7):1434-1445). This variant is considered to be rare based on population cohorts in the Genome Aggregation Database (gnomAD). This nucleotide position is highly conserved in available vertebrate species. In silico splice site analysis predicts that this alteration will weaken the native splice donor site. Based on the majority of available evidence to date, this variant is likely to be pathogenic.

Labcorp Genetics (formerly Invitae), Labcorp
Classification: Uncertain significance for BAP1-related tumor predisposition syndrome. Last evaluated: 2025-03-13. Review status: criteria provided, single submitter. Criteria: Invitae Variant Classification Sherloc (09022015). Collection method: clinical testing. Allele origin: germline.
Comment: This sequence change affects codon 372 of the BAP1 mRNA. It is a 'silent' change, meaning that it does not change the encoded amino acid sequence of the BAP1 protein. This variant also falls at the last nucleotide of exon 11, which is part of the consensus splice site for this exon. This variant is not present in population databases (gnomAD no frequency). This variant has been observed in individual(s) with prostate cancer (PMID: 29368341). ClinVar contains an entry for this variant (Variation ID: 1431597). Variants that disrupt the consensus splice site are a relatively common cause of aberrant splicing (PMID: 17576681, 9536098). Algorithms developed to predict the effect of sequence changes on RNA splicing suggest that this variant may disrupt the consensus splice site. In summary, the available evidence is currently insufficient to determine the role of this variant in disease. Therefore, it has been classified as a Variant of Uncertain Significance.

Literature cited by the submitters: PubMed 38969833 (cited by Ambry Genetics); PubMed 29368341 (cited by Labcorp Genetics (formerly Invitae), Labcorp); PubMed 17576681 (cited by Labcorp Genetics (formerly Invitae), Labcorp); PubMed 9536098 (cited by Labcorp Genetics (formerly Invitae), Labcorp).

NM_004656.4(BAP1):c.1116G>A (p.Gln372=)

Gene: BAP1 (BRCA1 associated deubiquitinase 1; minus strand). Cytogenetic location: 3p21.1.
Variant type: single nucleotide variant.
Coding change: c.1116G>A on transcript NM_004656.4 (MANE Select); coding-DNA position 1116, G replaced by A.
Protein change: p.Gln372=; no amino-acid change (glutamine 372 retained).
Molecular consequence: synonymous variant.
Genome position (GRCh38, 1-based): chr3:52,405,110, C>T on the plus strand (G>A on the coding strand, the complement: BAP1 is on the minus strand). VCF-style: chr3-52405110-C-T. GRCh37 (hg19) VCF-style: chr3-52439126-C-T.
Other names: c.1116G>A (NM_004656.2).
Identifiers: ClinVar variation 1431597 (VCV001431597.10), dbSNP rs1559588330, ClinGen allele CA433774304.